The following is an entry in ClinVar:

NM_001875.5(CPS1):c.1013G>A (p.Gly338Asp)

Gene: CPS1 (carbamoyl-phosphate synthase 1; plus strand). Cytogenetic location: 2q34.
Variant type: single nucleotide variant.
Coding change: c.1013G>A on transcript NM_001875.5 (MANE Select); coding-DNA position 1013, G replaced by A.
Protein change: p.Gly338Asp; replaces glycine 338 with aspartic acid.
Molecular consequence: missense variant. On other transcripts: non-coding transcript variant (1).
Genome position (GRCh38, 1-based): chr2:210,591,896, G>A. VCF-style: chr2-210591896-G-A. GRCh37 (hg19) VCF-style: chr2-211456620-G-A.
Other names: c.1013G>A, p.Gly338Asp (NM_001122633.3, NM_001369257.1); c.1046G>A, p.Gly349Asp (NM_001369256.1); short protein forms G349D, G338D.
Identifiers: ClinVar variation 1970494 (VCV001970494.2), dbSNP rs2469124001, ClinGen allele CA350430537.

ClinVar aggregate classification (germline): Uncertain significance (1 of 4 stars; one submission).

Conditions:
Congenital hyperammonemia, type I. Also called: Carbamoyl-phosphate synthase I deficiency; CPS I DEFICIENCY; Carbamoyl phosphate synthetase I deficiency disease; Carbamoyl phosphate synthetase 1 deficiency; Hyperammonemia due to carbamoyl phosphate synthetase 1 deficiency; CPS 1 deficiency. Identifiers: Orphanet 147, MedGen C4082171, MONDO:0009376, OMIM 237300.

Submission:

Labcorp Genetics (formerly Invitae), Labcorp
Classification: Uncertain significance for Congenital hyperammonemia, type I. Last evaluated: 2022-07-16. Review status: criteria provided, single submitter. Criteria: Invitae Variant Classification Sherloc (09022015). Collection method: clinical testing. Allele origin: germline.
Comment: This sequence change replaces glycine, which is neutral and non-polar, with aspartic acid, which is acidic and polar, at codon 338 of the CPS1 protein (p.Gly338Asp). This variant is not present in population databases (gnomAD no frequency). This variant has not been reported in the literature in individuals affected with CPS1-related conditions. Algorithms developed to predict the effect of missense changes on protein structure and function are either unavailable or do not agree on the potential impact of this missense change (SIFT: "Deleterious"; PolyPhen-2: "Possibly Damaging"; Align-GVGD: "Class C0"). In summary, the available evidence is currently insufficient to determine the role of this variant in disease. Therefore, it has been classified as a Variant of Uncertain Significance.